The following is an entry in ClinVar:

NM_001148.6(ANK2):c.8890A>G (p.Ile2964Val)

Gene: ANK2 (ankyrin 2; plus strand). Cytogenetic location: 4q26.
Variant type: single nucleotide variant.
Coding change: c.8890A>G on transcript NM_001148.6 (MANE Select); coding-DNA position 8890, A replaced by G.
Protein change: p.Ile2964Val; replaces isoleucine 2964 with valine.
Molecular consequence: missense variant. On other transcripts: intron variant (68).
Genome position (GRCh38, 1-based): chr4:113,357,508, A>G. VCF-style: chr4-113357508-A-G. GRCh37 (hg19) VCF-style: chr4-114278664-A-G.
Other names: c.8656A>G, p.Ile2886Val (NM_001386142.1); c.5290A>G, p.Ile1764Val (NM_001386166.1); c.9031A>G, p.Ile3011Val (NM_001386174.1); c.9007A>G, p.Ile3003Val (NM_001386175.1); c.4412-3315A>G (NM_001386186.2, NM_001386148.2); c.4214-3315A>G (NM_001354269.3); c.4292-3315A>G (NM_001386187.2); c.4253-3315A>G (NM_001386147.1); and 35 more; short protein forms I1764V, I2886V, I2964V, I3003V, I3011V.
Identifiers: ClinVar variation 3221022 (VCV003221022.1), dbSNP rs142940881, ClinGen allele CA3051841.

ClinVar aggregate classification (germline): Uncertain significance (1 of 4 stars; one submission).

Conditions:
Cardiovascular phenotype. Identifiers: MedGen CN230736.

Allele frequency attached by ClinVar (database versions not stated): gnomAD exomes below 0.00001; ExAC 0.00001; TOPMed 0.00001; ESP Exome Variant Server 0.00008.
gnomAD v4.1: 2 of 1,614,128 alleles (0.00012%); highest among the groups gnomAD compares: African/African-American, 0.0013%; no homozygotes.

Submission:

Ambry Genetics
Classification: Uncertain significance for Cardiovascular phenotype. Last evaluated: 2023-10-19. Review status: criteria provided, single submitter. Criteria: Ambry Variant Classification Scheme 2023. Collection method: clinical testing. Allele origin: germline.
Comment: The p.I2964V variant (also known as c.8890A>G), located in coding exon 38 of the ANK2 gene, results from an A to G substitution at nucleotide position 8890. The isoleucine at codon 2964 is replaced by valine, an amino acid with highly similar properties. This amino acid position is conserved. In addition, this alteration is predicted to be tolerated by in silico analysis. Since supporting evidence is limited at this time, the clinical significance of this alteration remains unclear.